The following is an entry in ClinVar:

NM_004006.3(DMD):c.9509A>G (p.Asn3170Ser)

Gene: DMD (dystrophin; minus strand). Cytogenetic location: Xp21.2.
Variant type: single nucleotide variant.
Coding change: c.9509A>G on transcript NM_004006.3 (MANE Select); coding-DNA position 9509, A replaced by G.
Protein change: p.Asn3170Ser; replaces asparagine 3170 with serine.
Molecular consequence: missense variant.
Genome position (GRCh38, 1-based): chrX:31,209,552, T>C on the plus strand (A>G on the coding strand, the complement: DMD is on the minus strand). VCF-style: chrX-31209552-T-C. GRCh37 (hg19) VCF-style: chrX-31227669-T-C.
Other names: c.9485A>G, p.Asn3162Ser (NM_000109.4); c.9497A>G, p.Asn3166Ser (NM_004009.3); c.9140A>G, p.Asn3047Ser (NM_004010.3); c.5486A>G, p.Asn1829Ser (NM_004011.4); c.5477A>G, p.Asn1826Ser (NM_004012.4); c.2129A>G, p.Asn710Ser (NM_004013.3, NM_004020.4, NM_004021.3 and 2 more transcripts); c.1322A>G, p.Asn441Ser (NM_004014.3); c.305A>G, p.Asn102Ser (NM_004015.3, NM_004016.3, NM_004017.3 and 2 more transcripts); short protein forms N3162S, N3170S, N1829S, N441S, N710S, N102S, N3047S, N1826S.
Identifiers: ClinVar variation 3272375 (VCV003272375.4).

ClinVar aggregate classification (germline): Conflicting classifications of pathogenicity. Review status: criteria provided, conflicting classifications (1 of 4 stars). 2 submissions from 2 submitters: Uncertain significance (1); Likely benign (1). Last evaluated 2025-09-22.

Conditions:
Cardiovascular phenotype. Identifiers: MedGen CN230736.
Duchenne muscular dystrophy (DMD). Also called: MUSCULAR DYSTROPHY, PSEUDOHYPERTROPHIC PROGRESSIVE, DUCHENNE TYPE; Duchenne Muscular Dystrophy (DMD). Identifiers: Orphanet 98896, MedGen C0013264, MONDO:0010679, OMIM 310200.

gnomAD v4.1: 12 of 1,209,498 alleles (0.00099%); highest among the groups gnomAD compares: Middle Eastern, 0.023%; no homozygotes.

Submissions (3):

Labcorp Genetics (formerly Invitae), Labcorp
Classification: Uncertain significance for Duchenne muscular dystrophy. Last evaluated: 2025-09-22. Review status: criteria provided, single submitter. Criteria: Invitae Variant Classification Sherloc (09022015). Collection method: clinical testing. Allele origin: germline.
Comment: This sequence change replaces asparagine, which is neutral and polar, with serine, which is neutral and polar, at codon 3170 of the DMD protein (p.Asn3170Ser). This variant is not present in population databases (gnomAD no frequency). This variant has not been reported in the literature in individuals affected with DMD-related conditions. ClinVar contains an entry for this variant (Variation ID: 3272375). Invitae Evidence Modeling of protein sequence and biophysical properties (such as structural, functional, and spatial information, amino acid conservation, physicochemical variation, residue mobility, and thermodynamic stability) indicates that this missense variant is not expected to disrupt DMD protein function with a negative predictive value of 95%. In summary, the available evidence is currently insufficient to determine the role of this variant in disease. Therefore, it has been classified as a Variant of Uncertain Significance.

Ambry Genetics
Classification: Likely benign for Cardiovascular phenotype. Last evaluated: 2024-03-29. Review status: criteria provided, single submitter. Criteria: Ambry Variant Classification Scheme 2023. Collection method: clinical testing. Allele origin: germline.

Dr. Peter K. Rogan Lab, Western University
No classification provided (evidence only). Condition: Nonpapillary renal cell carcinoma. Review status: no classification provided. Collection method: in vitro. Allele origin: not applicable. Functional consequence: retained intron. Not counted in ClinVar's aggregate classification.